The following is an entry in ClinVar:

NM_004958.4(MTOR):c.1962T>G (p.Asp654Glu)

Gene: MTOR (mechanistic target of rapamycin kinase; minus strand). Cytogenetic location: 1p36.22.
Variant type: single nucleotide variant.
Coding change: c.1962T>G on transcript NM_004958.4 (MANE Select); coding-DNA position 1962, T replaced by G.
Protein change: p.Asp654Glu; replaces aspartic acid 654 with glutamic acid.
Molecular consequence: missense variant.
Genome position (GRCh38, 1-based): chr1:11,238,442, A>C on the plus strand (T>G on the coding strand, the complement: MTOR is on the minus strand). VCF-style: chr1-11238442-A-C. GRCh37 (hg19) VCF-style: chr1-11298499-A-C.
Other names: c.1962T>G, p.Asp654Glu (NM_001386500.1); c.714T>G, p.Asp238Glu (NM_001386501.1); short protein forms D238E, D654E.
Identifiers: ClinVar variation 1721553 (VCV001721553.5), dbSNP rs2523316294, ClinGen allele CA338388861.

ClinVar aggregate classification (germline): Uncertain significance (1 of 4 stars; one submission).

Submission:

Labcorp Genetics (formerly Invitae), Labcorp
Classification: Uncertain significance. Last evaluated: 2023-11-18. Review status: criteria provided, single submitter. Criteria: Invitae Variant Classification Sherloc (09022015). Collection method: clinical testing. Allele origin: germline.
Comment: This sequence change replaces aspartic acid, which is acidic and polar, with glutamic acid, which is acidic and polar, at codon 654 of the MTOR protein (p.Asp654Glu). This variant is not present in population databases (gnomAD no frequency). This variant has not been reported in the literature in individuals affected with MTOR-related conditions. ClinVar contains an entry for this variant (Variation ID: 1721553). Advanced modeling of protein sequence and biophysical properties (such as structural, functional, and spatial information, amino acid conservation, physicochemical variation, residue mobility, and thermodynamic stability) performed at Invitae indicates that this missense variant is not expected to disrupt MTOR protein function with a negative predictive value of 95%. In summary, the available evidence is currently insufficient to determine the role of this variant in disease. Therefore, it has been classified as a Variant of Uncertain Significance.